The following is an entry in ClinVar:

ClinVar aggregate classification (germline): Uncertain significance (1 of 4 stars; one submission).

Submission:

Ambry Genetics
Classification: Uncertain significance. Last evaluated: 2025-07-17. Review status: criteria provided, single submitter. Criteria: Ambry Variant Classification Scheme 2023. Collection method: clinical testing. Allele origin: germline.
Comment: The p.S303G variant (also known as c.907A>G), located in coding exon 8 of the RAD51B gene, results from an A to G substitution at nucleotide position 907. The serine at codon 303 is replaced by glycine, an amino acid with similar properties. This amino acid position is conserved. In addition, this alteration is predicted to be tolerated by in silico analysis. Based on the available evidence, the clinical significance of this variant remains unclear.

NM_133510.4(RAD51B):c.907A>G (p.Ser303Gly)

Gene: RAD51B (RAD51 paralog B; plus strand). Cytogenetic location: 14q24.1.
Variant type: single nucleotide variant.
Coding change: c.907A>G on transcript NM_133510.4 (MANE Select); coding-DNA position 907, A replaced by G.
Protein change: p.Ser303Gly; replaces serine 303 with glycine.
Molecular consequence: missense variant.
Genome position (GRCh38, 1-based): chr14:68,411,477, A>G. VCF-style: chr14-68411477-A-G. GRCh37 (hg19) VCF-style: chr14-68878194-A-G.
Other names: c.907A>G, p.Ser303Gly (NM_001321809.2, NM_001321810.2, NM_001321812.1 and 6 more transcripts); c.793A>G, p.Ser265Gly (NM_001321815.1); c.550A>G, p.Ser184Gly (NM_001321817.2); short protein forms S265G, S184G, S303G.
Identifiers: ClinVar variation 4149830 (VCV004149830.1).